The following is an entry in ClinVar:

ClinVar aggregate classification (germline): Benign (1 of 4 stars; one submission).

Allele frequency attached by ClinVar (database versions not stated): 1000 Genomes Project 0.04213; 1000 Genomes Project 30x 0.04325; TOPMed 0.05749; gnomAD 0.05918 and 0.05983.
gnomAD v4.1: 9,116 of 152,226 alleles (6%); highest among the groups gnomAD compares: Middle Eastern, 11%; 329 homozygotes.

Submission:

GeneDx
Classification: Benign. Last evaluated: 2018-06-14. Review status: criteria provided, single submitter. Criteria: GeneDx Variant Classification (06012015). Collection method: clinical testing. Allele origin: germline. Affected: yes.
Comment: This variant is considered likely benign or benign based on one or more of the following criteria: it is a conservative change, it occurs at a poorly conserved position in the protein, it is predicted to be benign by multiple in silico algorithms, and/or has population frequency not consistent with disease.

NM_014844.5(TECPR2):c.1085-200C>G

Gene: TECPR2 (tectonin beta-propeller repeat containing 2; plus strand). Cytogenetic location: 14q32.31.
Variant type: single nucleotide variant.
Coding change: c.1085-200C>G on transcript NM_014844.5 (MANE Select); 200 bases into the intron before coding-DNA position 1085, C replaced by G.
Molecular consequence: intron variant.
Genome position (GRCh38, 1-based): chr14:102,431,596, C>G. VCF-style: chr14-102431596-C-G. GRCh37 (hg19) VCF-style: chr14-102897933-C-G.
Other names: c.1085-200C>G (NM_001172631.3).
Identifiers: ClinVar variation 672258 (VCV000672258.1), dbSNP rs11621368, ClinGen allele CA267055944.
Genomic context (GRCh38, chr14:102,431,596, plus strand): 5'-GTTTCACTGTGTTAGCCAGGATGGTCTTGATCTCCTGACCTTGTGATCCGCCCGCCTTGG[C>G]CTCCCAAAGTGCTGGGATTACAGGCGTGAGTCACCGTGCCCATCCTAGTTTTGCTGGTTT-3'